The following is an entry in ClinVar:

NM_006757.4(TNNT3):c.206T>C (p.Met69Thr)

Gene: TNNT3 (troponin T3, fast skeletal type; plus strand). Cytogenetic location: 11p15.5.
Variant type: single nucleotide variant.
Coding change: c.206T>C on transcript NM_006757.4 (MANE Select); coding-DNA position 206, T replaced by C.
Protein change: p.Met69Thr; replaces methionine 69 with threonine.
Molecular consequence: missense variant. On other transcripts: initiator codon variant (2).
Genome position (GRCh38, 1-based): chr11:1,933,755, T>C. VCF-style: chr11-1933755-T-C. GRCh37 (hg19) VCF-style: chr11-1954985-T-C.
Other names: c.182T>C, p.Met61Thr (NM_001042780.3, NM_001042782.3, NM_001297646.2 and 2 more transcripts); c.200T>C, p.Met67Thr (NM_001042781.3, NM_001367842.1, NM_001367843.1); c.215T>C, p.Met72Thr (NM_001363561.2, NM_001367847.1); c.239T>C, p.Met80Thr (NM_001367846.1); c.203T>C, p.Met68Thr (NM_001367848.1); c.194T>C, p.Met65Thr (NM_001367849.1); c.149T>C, p.Met50Thr (NM_001367850.1); c.2T>C, p.Met1Thr (NM_001367851.1, NM_001367852.1); short protein forms M50T, M67T, M68T, M80T, M65T, M72T, M1T, M61T.
Identifiers: ClinVar variation 2042813 (VCV002042813.5), dbSNP rs564740647, ClinGen allele CA216209520.

ClinVar aggregate classification (germline): Uncertain significance (1 of 4 stars; one submission).

Allele frequency attached by ClinVar (database versions not stated): gnomAD exomes 0.00001; gnomAD 0.00002; TOPMed 0.00002.
gnomAD v4.1: 10 of 1,612,838 alleles (0.00062%); highest among the groups gnomAD compares: Admixed American, 0.005%; no homozygotes.

Submission:

Labcorp Genetics (formerly Invitae), Labcorp
Classification: Uncertain significance. Last evaluated: 2025-04-14. Review status: criteria provided, single submitter. Criteria: Invitae Variant Classification Sherloc (09022015). Collection method: clinical testing. Allele origin: germline.
Comment: This sequence change replaces methionine, which is neutral and non-polar, with threonine, which is neutral and polar, at codon 69 of the TNNT3 protein (p.Met69Thr). This variant is present in population databases (rs564740647, gnomAD no frequency). This variant has not been reported in the literature in individuals affected with TNNT3-related conditions. ClinVar contains an entry for this variant (Variation ID: 2042813). An algorithm developed to predict the effect of missense changes on protein structure and function (PolyPhen-2) suggests that this variant is likely to be tolerated. In summary, the available evidence is currently insufficient to determine the role of this variant in disease. Therefore, it has been classified as a Variant of Uncertain Significance.